The following is an entry in ClinVar:

ClinVar aggregate classification (germline): Likely pathogenic. Review status: criteria provided, multiple submitters, no conflicts (2 of 4 stars). 2 submissions from 2 submitters: Likely pathogenic (2). Last evaluated 2024-10-22.

Conditions:
TTN-related disorder. Also called: TTN-related disorders; TTN-related condition; TTN-related disease.
Dilated cardiomyopathy 1G (CMD1G). Identifiers: Orphanet 154, MedGen C1858763, MONDO:0011400, OMIM 604145.
Autosomal recessive limb-girdle muscular dystrophy type 2J (LGMDR10). Also called: Limb-girdle muscular dystrophy, type 2J; MUSCULAR DYSTROPHY, LIMB-GIRDLE, AUTOSOMAL RECESSIVE 10. Identifiers: Orphanet 140922, MedGen C1837342, MONDO:0012127, OMIM 608807.

Allele frequency attached by ClinVar (database versions not stated): gnomAD 0.00001; TOPMed 0.00001.
gnomAD v4.1: 2 of 1,609,760 alleles (0.00012%); highest among the groups gnomAD compares: African/African-American, 0.0013%; no homozygotes.

Submissions (2):

Labcorp Genetics (formerly Invitae), Labcorp
Classification: Likely pathogenic for Dilated cardiomyopathy 1G; Autosomal recessive limb-girdle muscular dystrophy type 2J. Last evaluated: 2024-10-22. Review status: criteria provided, single submitter. Criteria: Invitae Variant Classification Sherloc (09022015). Collection method: clinical testing. Allele origin: germline.
Comment: This sequence change affects a donor splice site in intron 320 of the TTN gene. It is expected to disrupt RNA splicing and likely results in a truncated or disrupted TTN protein. This variant is not present in population databases (gnomAD no frequency). This variant has not been reported in the literature in individuals affected with TTN-related conditions. ClinVar contains an entry for this variant (Variation ID: 1500057). Algorithms developed to predict the effect of sequence changes on RNA splicing suggest that this variant may disrupt the consensus splice site. This variant is located in the A band of TTN (PMID: 25589632). Truncating variants in this region are significantly overrepresented in patients affected with dilated cardiomyopathy (PMID: 25589632). Truncating variants in this region have also been reported in individuals affected with autosomal recessive centronuclear myopathy (PMID: 23975875). In summary, the currently available evidence indicates that the variant is pathogenic, but additional data are needed to prove that conclusively. Therefore, this variant has been classified as Likely Pathogenic.

Rady Children's Institute for Genomic Medicine, Rady Children's Hospital San Diego
Classification: Likely pathogenic for TTN-Related Disorders. Review status: criteria provided, single submitter. Criteria: ACMG Guidelines, 2015. Collection method: clinical testing. Allele origin: germline. Affected: yes.
Comment: This variant affects the canonical splice donor site of intron 320 and is predicted to interfere with normal splicing. It is located in the A-band region of TTN (PMID: 25589632). The c.68224+2T>C variant has not been previously reported or functionally characterized in the literature to our knowledge. It is absent from the gnomAD population database and thus presumed to be rare. Based on the available evidence, the c.68224+2T>C variant is classified as Likely Pathogenic.

Literature cited by the submitters: PubMed 25589632 (cited by Labcorp Genetics (formerly Invitae), Labcorp); PubMed 23975875 (cited by Labcorp Genetics (formerly Invitae), Labcorp).

NM_001267550.2(TTN):c.68224+2T>C

Genes: TTN (titin; minus strand), TTN-AS1 (TTN antisense RNA 1; plus strand), LOC126806423 (CDK7 strongly-dependent group 2 enhancer GRCh37_chr2:179443309-179444508; plus strand). Cytogenetic location: 2q31.2.
Variant type: single nucleotide variant.
Coding change: c.68224+2T>C on transcript NM_001267550.2 (MANE Select); the canonical splice donor site of the intron after coding-DNA position 68224, T replaced by C.
Molecular consequence: splice donor variant.
Genome position (GRCh38, 1-based): chr2:178,578,804, A>G on the plus strand (T>C on the coding strand, the complement: TTN is on the minus strand). VCF-style: chr2-178578804-A-G. GRCh37 (hg19) VCF-style: chr2-179443531-A-G.
Other names: c.41029+2T>C (NM_003319.4); c.41605+2T>C (NM_133437.4); c.41404+2T>C (NM_133432.3); c.60520+2T>C (NM_133378.4); c.63301+2T>C (NM_001256850.1).
Identifiers: ClinVar variation 1500057 (VCV001500057.9), dbSNP rs1321711553, ClinGen allele CA349673342.